The following is an entry in ClinVar:

ClinVar aggregate classification (germline): Uncertain significance. Review status: criteria provided, multiple submitters, no conflicts (2 of 4 stars). 2 submissions from 2 submitters: Uncertain significance (2). Last evaluated 2024-07-31.

Conditions:
Hereditary cancer-predisposing syndrome. Also called: Tumor predisposition; Hereditary Cancer Syndrome; Hereditary neoplastic syndrome; Neoplastic Syndromes, Hereditary. Identifiers: Orphanet 140162, MedGen C0027672, MeSH D009386, MONDO:0015356.
Hereditary pheochromocytoma and paraganglioma. Also called: Hereditary paragangliomas and pheochromocytomas; Hereditary Paraganglioma-Pheochromocytoma Syndromes; Hereditary pheochromocytoma-paraganglioma. Identifiers: Orphanet 29072, MedGen C4274332, MONDO:0017366.

gnomAD v4.1: 2 of 1,614,144 alleles (0.00012%); highest among the groups gnomAD compares: Non-Finnish European, 0.000085%; no homozygotes.

Submissions (2):

Ambry Genetics
Classification: Uncertain significance for Hereditary cancer-predisposing syndrome. Last evaluated: 2024-07-31. Review status: criteria provided, single submitter. Criteria: Ambry Variant Classification Scheme 2023. Collection method: clinical testing. Allele origin: germline.
Comment: The p.E150Q variant (also known as c.448G>C), located in coding exon 4 of the SDHAF2 gene, results from a G to C substitution at nucleotide position 448. The glutamic acid at codon 150 is replaced by glutamine, an amino acid with highly similar properties. This amino acid position is conserved. In addition, the in silico prediction for this alteration is inconclusive. Based on the available evidence, the clinical significance of this variant remains unclear.

Labcorp Genetics (formerly Invitae), Labcorp
Classification: Uncertain significance for Hereditary pheochromocytoma and paraganglioma. Last evaluated: 2021-07-24. Review status: criteria provided, single submitter. Criteria: Invitae Variant Classification Sherloc (09022015). Collection method: clinical testing. Allele origin: germline.
Comment: This sequence change replaces glutamic acid with glutamine at codon 150 of the SDHAF2 protein (p.Glu150Gln). The glutamic acid residue is highly conserved and there is a small physicochemical difference between glutamic acid and glutamine. In summary, the available evidence is currently insufficient to determine the role of this variant in disease. Therefore, it has been classified as a Variant of Uncertain Significance. Algorithms developed to predict the effect of missense changes on protein structure and function are either unavailable or do not agree on the potential impact of this missense change (SIFT: "Tolerated"; PolyPhen-2: "Probably Damaging"; Align-GVGD: "Class C0"). This variant has not been reported in the literature in individuals affected with SDHAF2-related conditions. This variant is not present in population databases (ExAC no frequency).

NM_017841.4(SDHAF2):c.448G>C (p.Glu150Gln)

Gene: SDHAF2 (succinate dehydrogenase complex assembly factor 2; plus strand). Cytogenetic location: 11q12.2.
Variant type: single nucleotide variant.
Coding change: c.448G>C on transcript NM_017841.4 (MANE Select); coding-DNA position 448, G replaced by C.
Protein change: p.Glu150Gln; replaces glutamic acid 150 with glutamine.
Molecular consequence: missense variant.
Genome position (GRCh38, 1-based): chr11:61,446,018, G>C. VCF-style: chr11-61446018-G-C. GRCh37 (hg19) VCF-style: chr11-61213490-G-C.
Other names: c.448G>C (NM_017841.2); short protein forms E150Q.
Identifiers: ClinVar variation 1470652 (VCV001470652.9), dbSNP rs1300630237, ClinGen allele CA380685420.